The following is an entry in ClinVar:

ClinVar aggregate classification (germline): Likely pathogenic (1 of 4 stars; one submission).

Conditions:
Renal tubular acidosis with progressive nerve deafness. Also called: Distal Renal Tubular Acidosis with Progressive Sensorineural Deafness; renal tubular acidosis, distal, 2, with progressive sensorineural hearing loss; RENAL TUBULAR ACIDOSIS, AUTOSOMAL RECESSIVE, WITH PROGRESSIVE NERVE DEAFNESS; RTA WITH PROGRESSIVE NERVE DEAFNESS. Identifiers: MedGen C0403554, MONDO:0009968, OMIM 267300.

Submission:

Natera, Inc.
Classification: Likely pathogenic for Renal tubular acidosis with progressive nerve deafness. Last evaluated: 2024-10-15. Review status: criteria provided, single submitter. Criteria: Natera Variant Classification Schema (03/2026). Collection method: clinical testing. Allele origin: germline.
Comment: The c.273+2T>G variant in ATP6V1B1 is a canonical splice donor site variant predicted to affect pre-mRNA splicing, which may result in an abnormal transcript and altered protein product. This variant is expected to result in nonsense mediated decay, truncation, or a dysfunctional protein product. This variant is rare in the general population with a frequency below the threshold expected for the associated phenotype(s). This variant has been observed in one or more individuals affected with the associated recessive disease, as either homozygous or compound heterozygous with a second variant (PMID: 35006361). Given the available evidence, this variant is classified as Likely Pathogenic.

Literature cited by the submitters: PubMed 35006361.

NM_001692.4(ATP6V1B1):c.273+2T>G

Gene: ATP6V1B1 (ATPase H+ transporting V1 subunit B1; plus strand). Cytogenetic location: 2p13.3.
Variant type: single nucleotide variant.
Coding change: c.273+2T>G on transcript NM_001692.4 (MANE Select); the canonical splice donor site of the intron after coding-DNA position 273, T replaced by G.
Molecular consequence: splice donor variant.
Genome position (GRCh38, 1-based): chr2:70,958,146, T>G. VCF-style: chr2-70958146-T-G. GRCh37 (hg19) VCF-style: chr2-71185276-T-G.
Identifiers: ClinVar variation 4814932 (VCV004814932.1).